The following is an entry in ClinVar:

NM_182916.3(TRNT1):c.1284_1287dup (p.Tyr430fs)

Gene: TRNT1 (tRNA nucleotidyl transferase 1; plus strand). Cytogenetic location: 3p26.2.
Variant type: Duplication.
Coding change: c.1284_1287dup on transcript NM_182916.3 (MANE Select); coding-DNA positions 1284 to 1287, 4 bases duplicated (GAGT; older notation c.1284_1287dupGAGT).
Protein change: p.Tyr430fs; shifts the reading frame from tyrosine 430.
Molecular consequence: frameshift variant. On other transcripts: non-coding transcript variant (8).
Genome position (GRCh38, 1-based): chr3:3,148,133-3,148,136, GAGT duplicated; duplicating any 4 consecutive bases within chr3:3,148,132-3,148,136 gives the same sequence; the c. name uses the placement nearest the transcript's 3' end. VCF-style (leftmost placement, unchanged base first): chr3-3148131-C-CTGAG. GRCh37 (hg19) VCF-style: chr3-3189815-C-CTGAG.
Other names: c.1224_1227dup, p.Tyr410fs (NM_001302946.2); c.1284_1287dup, p.Tyr430fs (NM_001367321.1, NM_001367322.1, NM_001367323.1); short protein forms Y430fs, Y410fs.
Identifiers: ClinVar variation 969338 (VCV000969338.6), dbSNP rs1559232394, ClinGen allele CA916822316.

ClinVar aggregate classification (germline): Uncertain significance (1 of 4 stars; one submission).

Conditions:
Congenital sideroblastic anemia-B-cell immunodeficiency-periodic fever-developmental delay syndrome. Also called: Sideroblastic anemia with B-cell immunodeficiency, periodic fevers, and developmental delay. Identifiers: Orphanet 369861, MedGen C4015172, MONDO:0014487, OMIM 616084.

Submission:

Labcorp Genetics (formerly Invitae), Labcorp
Classification: Uncertain significance for Congenital sideroblastic anemia-B-cell immunodeficiency-periodic fever-developmental delay syndrome. Last evaluated: 2019-10-29. Review status: criteria provided, single submitter. Criteria: Invitae Variant Classification Sherloc (09022015). Collection method: clinical testing. Allele origin: germline.
Comment: This sequence change results in a frameshift in the TRNT1 gene (p.Tyr430Glufs*38). While this is not anticipated to result in nonsense mediated decay, it is expected to disrupt the last 5 amino acids of the TRNT1 protein and extend the protein by an additional 33 amino acids. This variant is not present in population databases (ExAC no frequency). This variant has not been reported in the literature in individuals with TRNT1-related conditions. In summary, the available evidence is currently insufficient to determine the role of this variant in disease. Therefore, it has been classified as a Variant of Uncertain Significance. Experimental studies and prediction algorithms are not available or were not evaluated, and the functional significance of this variant is currently unknown.